The following is an entry in ClinVar:

ClinVar aggregate classification (germline): Uncertain significance (1 of 4 stars; one submission).

Conditions:
Emery-Dreifuss muscular dystrophy 5, autosomal dominant (EDMD5). Also called: EMERY-DREIFUSS MUSCULAR DYSTROPHY 5. Identifiers: Orphanet 261, MedGen C2751805, MONDO:0013072, OMIM 612999.

Allele frequency attached by ClinVar (database versions not stated): gnomAD exomes 0.00001.
gnomAD v4.1: 7 of 1,614,024 alleles (0.00043%); highest among the groups gnomAD compares: Non-Finnish European, 0.00059%; no homozygotes.

Submission:

Labcorp Genetics (formerly Invitae), Labcorp
Classification: Uncertain significance for Emery-Dreifuss muscular dystrophy 5, autosomal dominant. Last evaluated: 2022-08-21. Review status: criteria provided, single submitter. Criteria: Invitae Variant Classification Sherloc (09022015). Collection method: clinical testing. Allele origin: germline.
Comment: This sequence change replaces lysine, which is basic and polar, with arginine, which is basic and polar, at codon 5345 of the SYNE2 protein (p.Lys5345Arg). This variant is not present in population databases (gnomAD no frequency). This variant has not been reported in the literature in individuals affected with SYNE2-related conditions. Algorithms developed to predict the effect of missense changes on protein structure and function output the following: SIFT: "Deleterious"; PolyPhen-2: "Benign"; Align-GVGD: "Class C0". The arginine amino acid residue is found in multiple mammalian species, which suggests that this missense change does not adversely affect protein function. In summary, the available evidence is currently insufficient to determine the role of this variant in disease. Therefore, it has been classified as a Variant of Uncertain Significance.

NM_182914.3(SYNE2):c.16034A>G (p.Lys5345Arg)

Gene: SYNE2 (spectrin repeat containing nuclear envelope protein 2; plus strand). Cytogenetic location: 14q23.2.
Variant type: single nucleotide variant.
Coding change: c.16034A>G on transcript NM_182914.3 (MANE Select); coding-DNA position 16034, A replaced by G.
Protein change: p.Lys5345Arg; replaces lysine 5345 with arginine.
Molecular consequence: missense variant.
Genome position (GRCh38, 1-based): chr14:64,159,382, A>G. VCF-style: chr14-64159382-A-G. GRCh37 (hg19) VCF-style: chr14-64626100-A-G.
Other names: c.16034A>G, p.Lys5345Arg (NM_015180.6); short protein forms K5345R.
Identifiers: ClinVar variation 2043033 (VCV002043033.4), dbSNP rs2549532646, ClinGen allele CA389955466.